The following is an entry in ClinVar:

NM_018255.4(ELP2):c.574C>T (p.Gln192Ter)

Gene: ELP2 (elongator acetyltransferase complex subunit 2; plus strand). Cytogenetic location: 18q12.2.
Variant type: single nucleotide variant.
Coding change: c.574C>T on transcript NM_018255.4 (MANE Select); coding-DNA position 574, C replaced by T.
Protein change: p.Gln192Ter; replaces glutamine 192 with a stop codon.
Molecular consequence: nonsense. On other transcripts: non-coding transcript variant (4), intron variant (1).
Genome position (GRCh38, 1-based): chr18:36,141,187, C>T. VCF-style: chr18-36141187-C-T. GRCh37 (hg19) VCF-style: chr18-33721150-C-T.
Other names: c.769C>T, p.Gln257Ter (NM_001242875.3); c.691C>T, p.Gln231Ter (NM_001242876.3, NM_001324466.2); c.496C>T, p.Gln166Ter (NM_001242877.3, NM_001242878.3); c.574C>T, p.Gln192Ter (NM_001324465.2, NM_001324467.2); c.127C>T, p.Gln43Ter (NM_001324468.2); c.446-1639C>T (NM_001242879.3); c.769C>T (NM_001242875.2); short protein forms Q166*, Q192*, Q231*, Q257*, Q43*.
Identifiers: ClinVar variation 4282463 (VCV004282463.6).

ClinVar aggregate classification (germline): Pathogenic/Likely pathogenic. Review status: criteria provided, multiple submitters, no conflicts (2 of 4 stars). 4 submissions from 4 submitters: Pathogenic (1); Likely pathogenic (3). Last evaluated 2026-07-08.

Conditions:
Intellectual developmental disorder, autosomal recessive 58. Also called: Intellectual disability, autosomal recessive 58. Identifiers: MedGen C4310641, MONDO:0014996, OMIM 617270.
ELP2-related disorder. Also called: ELP2-Related Disorders; ELP2-related condition.

gnomAD v4.1: 9 of 1,612,276 alleles (0.00056%); highest among the groups gnomAD compares: Admixed American, 0.01%; no homozygotes.

Submissions (4):

GeneDx
Classification: Pathogenic. Last evaluated: 2026-07-08. Review status: criteria provided, single submitter. Criteria: GeneDx Variant Classification Process June 2021. Collection method: clinical testing. Allele origin: germline.
Comment: Nonsense variant predicted to result in protein truncation or nonsense mediated decay in a gene for which loss of function is a known mechanism of disease; Has not been previously published as pathogenic or benign to our knowledge

PreventionGenetics, part of Exact Sciences
Classification: Likely pathogenic for ELP2-related condition. Last evaluated: 2026-03-05. Review status: criteria provided, single submitter. Criteria: ACMG Guidelines, 2015. Collection method: clinical testing. Allele origin: germline.
Comment: The ELP2 c.769C>T variant is predicted to result in premature protein termination (p.Gln257*). To our knowledge, this variant has not been reported in the literature. This variant is reported in 0.0087% of alleles in individuals of Latino descent in gnomAD. Nonsense variants in ELP2 are expected to be pathogenic. This variant is interpreted as likely pathogenic.

Dasa
Classification: Likely pathogenic. Last evaluated: 2025-08-28. Review status: criteria provided, single submitter. Criteria: DASA Assertion Criteria. Collection method: clinical testing. Allele origin: germline.
Comment: NM_018255.4(ELP2):c.574C>T (p.Gln192*) is a nonsense variant in ELP2 predicted to introduce a premature termination codon and is predicted to result in an absent or altered protein product. Loss of function is an established disease mechanism for ELP2-associated disorders. Also, this variant is rare in population databases. Based on the currently available evidence, this variant is classified as likely pathogenic.

Variantyx, Inc.
Classification: Likely pathogenic for Intellectual developmental disorder, autosomal recessive 58. Last evaluated: 2025-03-04. Review status: criteria provided, single submitter. Criteria: Variantyx Assertion Criteria 2022. Collection method: clinical testing. Allele origin: germline. Inheritance: Autosomal recessive inheritance. Affected: no.
Comment: This is a nonsense variant in the ELP2 gene (OMIM: 616054). Pathogenic variants in this gene have been associated with autosomal recessive intellectual developmental disorder 58. This variant introduces a premature termination codon in exon 6 out of 22 and is expected to result in loss of function, which is a known disease mechanism for ELP2 in this disorder (PMID:33976153) (PVS1). This variant has a 0.0102% maximum allele frequency in non-founder control populations (PM2). Based on the current evidence, this variant is classified as likely pathogenic for autosomal recessive intellectual developmental disorder 58.No other variant of clinical significance was identified in the ELP2 gene.

Literature cited by the submitters: PubMed 33976153 (cited by Variantyx, Inc.).